The following is an entry in ClinVar:

ClinVar aggregate classification (germline): Uncertain significance (1 of 4 stars; one submission).

Allele frequency attached by ClinVar (database versions not stated): gnomAD 0.00001.

Submission:

Labcorp Genetics (formerly Invitae), Labcorp
Classification: Uncertain significance. Last evaluated: 2025-06-02. Review status: criteria provided, single submitter. Criteria: Invitae Variant Classification Sherloc (09022015). Collection method: clinical testing. Allele origin: germline.
Comment: This sequence change replaces proline, which is neutral and non-polar, with serine, which is neutral and polar, at codon 154 of the CTF1 protein (p.Pro154Ser). The frequency data for this variant in the population databases is considered unreliable, as metrics indicate insufficient coverage at this position in the gnomAD database. This variant has not been reported in the literature in individuals affected with CTF1-related conditions. ClinVar contains an entry for this variant (Variation ID: 2902744). An algorithm developed to predict the effect of missense changes on protein structure and function (PolyPhen-2) suggests that this variant is likely to be disruptive. In summary, the available evidence is currently insufficient to determine the role of this variant in disease. Therefore, it has been classified as a Variant of Uncertain Significance.

NM_001330.5(CTF1):c.460C>T (p.Pro154Ser)

Genes: CTF1 (cardiotrophin 1; plus strand), LOC130058878 (ATAC-STARR-seq lymphoblastoid silent region 7400; plus strand). Cytogenetic location: 16p11.2.
Variant type: single nucleotide variant.
Coding change: c.460C>T on transcript NM_001330.5 (MANE Select); coding-DNA position 460, C replaced by T.
Protein change: p.Pro154Ser; replaces proline 154 with serine.
Molecular consequence: missense variant. On other transcripts: non-coding transcript variant (1).
Genome position (GRCh38, 1-based): chr16:30,902,393, C>T. VCF-style: chr16-30902393-C-T. GRCh37 (hg19) VCF-style: chr16-30913714-C-T.
Other names: c.457C>T, p.Pro153Ser (NM_001142544.3); short protein forms P154S, P153S.
Identifiers: ClinVar variation 2902744 (VCV002902744.3), dbSNP rs2055411012, ClinGen allele CA395619297.